The following is an entry in ClinVar:

NM_000206.3(IL2RG):c.594+5G>A

Gene: IL2RG (interleukin 2 receptor subunit gamma; minus strand). Cytogenetic location: Xq13.1.
Variant type: single nucleotide variant.
Coding change: c.594+5G>A on transcript NM_000206.3 (MANE Select); 5 bases into the intron after coding-DNA position 594, G replaced by A.
Molecular consequence: intron variant.
Genome position (GRCh38, 1-based): chrX:71,110,151, C>T on the plus strand (G>A on the coding strand, the complement: IL2RG is on the minus strand). VCF-style: chrX-71110151-C-T. GRCh37 (hg19) VCF-style: chrX-70330001-C-T.
Identifiers: ClinVar variation 1506371 (VCV001506371.7), dbSNP rs2147749578, ClinGen allele CA2573159590.

ClinVar aggregate classification (germline): Conflicting classifications of pathogenicity. Review status: criteria provided, conflicting classifications (1 of 4 stars). 2 submissions from 2 submitters: Likely pathogenic (1); Uncertain significance (1). Last evaluated 2025-07-29.

Conditions:
X-linked severe combined immunodeficiency (SCIDX1). Also called: IMMUNODEFICIENCY 4; SCID, X-LINKED; SEVERE COMBINED IMMUNODEFICIENCY, X-LINKED, T CELL-NEGATIVE, B CELL-POSITIVE, NK CELL-NEGATIVE; T-B+ severe combined immunodeficiency due to gamma chain deficiency; X-Linked Combined Immunodeficiency Diseases. Identifiers: Orphanet 276, MedGen C6022468, MONDO:0010315, OMIM 300400. Disease mechanism: loss of function.

Submissions (2):

Women's Health and Genetics/Laboratory Corporation of America, LabCorp
Classification: Uncertain significance. Last evaluated: 2025-07-29. Review status: criteria provided, single submitter. Criteria: LabCorp Variant Classification Summary - May 2015. Collection method: clinical testing. Allele origin: germline.
Comment: Variant summary: IL2RG c.594+5G>A alters a conserved nucleotide located close to a canonical splice site and therefore could affect mRNA splicing, leading to a significantly altered protein sequence. Several computational tools predict a significant impact on normal splicing: Four predict the variant abolishes a 5' splicing donor site. However, these predictions have yet to be confirmed by functional studies. The variant was absent in 183423 control chromosomes. c.594+5G>A has been observed in at least 2 hemizygous male individual(s) affected with X-Linked Severe Combined Immunodeficiency (Puck_1997, Labcorp Genetics (formerly Invitae)). These data indicate that the variant may be associated with disease. At least one publication reports experimental evidence evaluating an impact on protein function. The most pronounced variant effect results in undetectable surface expression of the protein encoded by IL2RG (Puck_1997). The following publications have been ascertained in the context of this evaluation (PMID: 9058718). ClinVar contains an entry for this variant (Variation ID: 1506371). Based on the evidence outlined above, the variant was classified as VUS-possibly pathogenic.

Labcorp Genetics (formerly Invitae), Labcorp
Classification: Likely pathogenic for X-linked severe combined immunodeficiency. Last evaluated: 2022-08-23. Review status: criteria provided, single submitter. Criteria: Invitae Variant Classification Sherloc (09022015). Collection method: clinical testing. Allele origin: germline.
Comment: ClinVar contains an entry for this variant (Variation ID: 1506371). Variants that disrupt the consensus splice site are a relatively common cause of aberrant splicing (PMID: 17576681, 9536098). Algorithms developed to predict the effect of sequence changes on RNA splicing suggest that this variant may disrupt the consensus splice site. This variant disrupts the c.594+5G nucleotide in the IL2RG gene. Other variant(s) that disrupt this nucleotide have been determined to be pathogenic (Invitae). This suggests that this nucleotide is clinically significant, and that variants that disrupt this position are likely to be disease-causing. In summary, the currently available evidence indicates that the variant is pathogenic, but additional data are needed to prove that conclusively. Therefore, this variant has been classified as Likely Pathogenic. This variant has been observed in individuals with severe combined immunodeficiency (PMID: 9058718; Invitae). This sequence change falls in intron 4 of the IL2RG gene. It does not directly change the encoded amino acid sequence of the IL2RG protein. It affects a nucleotide within the consensus splice site. This variant is not present in population databases (gnomAD no frequency).

Literature cited by the submitters: PubMed 9058718 (cited by Women's Health and Genetics/Laboratory Corporation of America, LabCorp and Labcorp Genetics (formerly Invitae), Labcorp); PubMed 8961626 (cited by Women's Health and Genetics/Laboratory Corporation of America, LabCorp); PubMed 17576681 (cited by Labcorp Genetics (formerly Invitae), Labcorp); PubMed 9536098 (cited by Labcorp Genetics (formerly Invitae), Labcorp).